The following is an entry in ClinVar:

ClinVar aggregate classification (germline): Uncertain significance (1 of 4 stars; one submission).

Allele frequency attached by ClinVar (database versions not stated): gnomAD exomes below 0.00001.
gnomAD v4.1: 1 of 1,614,164 alleles (0.000062%); highest among the groups gnomAD compares: African/African-American, 0.0013%; no homozygotes.

Submission:

Ambry Genetics
Classification: Uncertain significance. Last evaluated: 2022-05-01. Review status: criteria provided, single submitter. Criteria: Ambry Variant Classification Scheme 2023. Collection method: clinical testing. Allele origin: germline.
Comment: The p.C585S variant (also known as c.1754G>C), located in coding exon 11 of the POLQ gene, results from a G to C substitution at nucleotide position 1754. The cysteine at codon 585 is replaced by serine, an amino acid with dissimilar properties. This amino acid position is conserved. In addition, the in silico prediction for this alteration is inconclusive. Since supporting evidence is limited at this time, the clinical significance of this alteration remains unclear.

NM_199420.4(POLQ):c.1754G>C (p.Cys585Ser)

Gene: POLQ (DNA polymerase theta; minus strand). Cytogenetic location: 3q13.33.
Variant type: single nucleotide variant.
Coding change: c.1754G>C on transcript NM_199420.4 (MANE Select); coding-DNA position 1754, G replaced by C.
Protein change: p.Cys585Ser; replaces cysteine 585 with serine.
Molecular consequence: missense variant.
Genome position (GRCh38, 1-based): chr3:121,510,101, C>G on the plus strand (G>C on the coding strand, the complement: POLQ is on the minus strand). VCF-style: chr3-121510101-C-G. GRCh37 (hg19) VCF-style: chr3-121228948-C-G.
Other names: short protein forms C585S.
Identifiers: ClinVar variation 1779448 (VCV001779448.2), dbSNP rs2546802582, ClinGen allele CA354114592.